The following is an entry in ClinVar:

ClinVar aggregate classification (germline): Benign (1 of 4 stars; one submission).

gnomAD v4.1: 680 of 1,611,784 alleles (0.042%); highest among the groups gnomAD compares: African/African-American, 0.82%; 5 homozygotes.

Submission:

CeGaT Center for Human Genetics Tuebingen
Classification: Benign. Last evaluated: 2025-02-01. Review status: criteria provided, single submitter. Criteria: CeGaT Center For Human Genetics Tuebingen Variant Classification Criteria Version 2. Collection method: clinical testing. Allele origin: germline. Affected: yes. Observed: 1 variant allele.
Comment: PTPN2: BP4, BS1, BS2

NM_002828.4(PTPN2):c.1041-4A>G

Gene: PTPN2 (protein tyrosine phosphatase non-receptor type 2; minus strand). Cytogenetic location: 18p11.21.
Variant type: single nucleotide variant.
Coding change: c.1041-4A>G on transcript NM_002828.4 (MANE Select); 4 bases into the intron before coding-DNA position 1041, A replaced by G.
Molecular consequence: intron variant.
Genome position (GRCh38, 1-based): chr18:12,794,489, T>C on the plus strand (A>G on the coding strand, the complement: PTPN2 is on the minus strand). VCF-style: chr18-12794489-T-C. GRCh37 (hg19) VCF-style: chr18-12794488-T-C.
Other names: c.1040+7481A>G (NM_080423.3); c.1041-4A>G (NM_080422.3); c.1110-4A>G (NM_001207013.2); c.954-4A>G (NM_001308287.1).
Identifiers: ClinVar variation 3770951 (VCV003770951.13).
Genomic context (GRCh38, chr18:12,794,489, plus strand): 5'-TGCACCTTCTGAGCTGTGGTGGCCTTTCTGTCCTCTCGAATACGTTTCCGTAGAGCACTA[T>C]GAGGAAATAAAAACAAGTGAAAGGAAGTGCACACAGAGCAGGACTTGAGTACTCTAACAC-3'